The following is an entry in ClinVar:

NM_015559.3(SETBP1):c.1328T>G (p.Met443Arg)

Gene: SETBP1 (SET binding protein 1; plus strand). Cytogenetic location: 18q12.3.
Variant type: single nucleotide variant.
Coding change: c.1328T>G on transcript NM_015559.3 (MANE Select); coding-DNA position 1328, T replaced by G.
Protein change: p.Met443Arg; replaces methionine 443 with arginine.
Molecular consequence: missense variant.
Genome position (GRCh38, 1-based): chr18:44,950,668, T>G. VCF-style: chr18-44950668-T-G. GRCh37 (hg19) VCF-style: chr18-42530633-T-G.
Other names: c.1328T>G, p.Met443Arg (NM_001379141.1, NM_001379142.1, NM_001410862.1); short protein forms M443R.
Identifiers: ClinVar variation 3361239 (VCV003361239.1).

ClinVar aggregate classification (germline): Uncertain significance (1 of 4 stars; one submission).

gnomAD v4.1: 1 of 1,614,148 alleles (0.000062%); highest among the groups gnomAD compares: East Asian, 0.0022%; no homozygotes.

Submission:

GeneDx
Classification: Uncertain significance. Last evaluated: 2023-07-21. Review status: criteria provided, single submitter. Criteria: GeneDx Variant Classification Process June 2021. Collection method: clinical testing. Allele origin: germline. Affected: yes.
Comment: Not observed at significant frequency in large population cohorts (gnomAD); In silico analysis supports that this missense variant does not alter protein structure/function; Has not been previously published as pathogenic or benign to our knowledge